The following is an entry in ClinVar:

ClinVar aggregate classification (germline): Likely benign. Review status: criteria provided, multiple submitters, no conflicts (2 of 4 stars). 3 submissions from 3 submitters: Likely benign (2). 1 of the submissions does not count toward it. Last evaluated 2024-10-23.

Conditions:
ZNF462-related disorder. Also called: ZNF462-related condition; ZNF462 related disease.
Inborn genetic diseases. Identifiers: MedGen C0950123, MeSH D030342.

Allele frequency attached by ClinVar (database versions not stated): 1000 Genomes Project 30x 0.00047; gnomAD 0.00054; 1000 Genomes Project 0.00060; TOPMed 0.00060; gnomAD exomes 0.00071; ESP Exome Variant Server 0.00077.
gnomAD v4.1: 1,104 of 1,614,026 alleles (0.068%); highest among the groups gnomAD compares: Non-Finnish European, 0.085%; 2 homozygotes.

Submissions (3):

Blueprint Genetics
Classification: Likely benign. Last evaluated: 2024-10-23. Review status: criteria provided, single submitter. Criteria: ACMG Guidelines, 2015. Collection method: clinical testing. Allele origin: germline.

Ambry Genetics
Classification: Likely benign for Inborn genetic diseases. Last evaluated: 2021-10-12. Review status: criteria provided, single submitter. Criteria: Ambry Variant Classification Scheme 2023. Collection method: clinical testing. Allele origin: germline.

PreventionGenetics, part of Exact Sciences
Classification: Likely benign for ZNF462-related condition. Last evaluated: 2022-08-21. Review status: no assertion criteria provided. Collection method: clinical testing. Allele origin: germline. Not counted in ClinVar's aggregate classification.
Comment: This variant is classified as likely benign based on ACMG/AMP sequence variant interpretation guidelines (Richards et al. 2015 PMID: 25741868, with internal and published modifications).

NM_021224.6(ZNF462):c.4313C>T (p.Pro1438Leu)

Gene: ZNF462 (zinc finger protein 462; plus strand). Cytogenetic location: 9q31.2.
Variant type: single nucleotide variant.
Coding change: c.4313C>T on transcript NM_021224.6 (MANE Select); coding-DNA position 4313, C replaced by T.
Protein change: p.Pro1438Leu; replaces proline 1438 with leucine.
Molecular consequence: missense variant. On other transcripts: intron variant (1).
Genome position (GRCh38, 1-based): chr9:106,928,225, C>T. VCF-style: chr9-106928225-C-T. GRCh37 (hg19) VCF-style: chr9-109690506-C-T.
Other names: c.3252+1061C>T (NM_001347997.2); c.4313C>T (NM_021224.4); short protein forms P1438L.
Identifiers: ClinVar variation 3057663 (VCV003057663.4), dbSNP rs115571895, ClinGen allele CA5171809.